The following is an entry in ClinVar:

NM_022051.3(EGLN1):c.71G>C (p.Cys24Ser)

Gene: EGLN1 (egl-9 family hypoxia inducible factor 1; minus strand). Cytogenetic location: 1q42.2.
Variant type: single nucleotide variant.
Coding change: c.71G>C on transcript NM_022051.3 (MANE Select); coding-DNA position 71, G replaced by C.
Protein change: p.Cys24Ser; replaces cysteine 24 with serine.
Molecular consequence: missense variant.
Genome position (GRCh38, 1-based): chr1:231,421,818, C>G on the plus strand (G>C on the coding strand, the complement: EGLN1 is on the minus strand). VCF-style: chr1-231421818-C-G. GRCh37 (hg19) VCF-style: chr1-231557564-C-G.
Other names: c.71G>C, p.Cys24Ser (NM_001377260.1, NM_001377261.1); short protein forms C24S.
Identifiers: ClinVar variation 5035861 (VCV005035861.1).

ClinVar aggregate classification (germline): Uncertain significance (1 of 4 stars; one submission).

Submission:

Ambry Genetics
Classification: Uncertain significance. Last evaluated: 2026-08-16. Review status: criteria provided, single submitter. Criteria: Ambry Variant Classification Scheme 2023. Collection method: clinical testing. Allele origin: germline.
Comment: The p.C24S variant (also known as c.71G>C), located in coding exon 1 of the EGLN1 gene, results from a G to C substitution at nucleotide position 71. The cysteine at codon 24 is replaced by serine, an amino acid with dissimilar properties. This amino acid position is conserved. In addition, this alteration is predicted to be deleterious by in silico analysis. Based on the available evidence, the clinical significance of this variant remains unclear.